The following is an entry in ClinVar:

NM_001006658.3(CR2):c.2206C>T (p.Arg736Cys)

Gene: CR2 (complement C3d receptor 2; plus strand). Cytogenetic location: 1q32.2.
Variant type: single nucleotide variant.
Coding change: c.2206C>T on transcript NM_001006658.3 (MANE Select); coding-DNA position 2206, C replaced by T.
Protein change: p.Arg736Cys; replaces arginine 736 with cysteine.
Molecular consequence: missense variant.
Genome position (GRCh38, 1-based): chr1:207,473,851, C>T. VCF-style: chr1-207473851-C-T. GRCh37 (hg19) VCF-style: chr1-207647196-C-T.
Other names: c.2029C>T, p.Arg677Cys (NM_001877.5); short protein forms R736C, R677C.
Identifiers: ClinVar variation 1508333 (VCV001508333.7), dbSNP rs1439843661, ClinGen allele CA344536555.

ClinVar aggregate classification (germline): Uncertain significance (1 of 4 stars; one submission).

Conditions:
Immunodeficiency, common variable, 7. Identifiers: Orphanet 1572, Orphanet 696894, MedGen C3542922, MONDO:0013862, OMIM 614699.

Allele frequency attached by ClinVar (database versions not stated): gnomAD exomes below 0.00001.
gnomAD v4.1: 4 of 1,613,908 alleles (0.00025%); highest among the groups gnomAD compares: South Asian, 0.0022%; no homozygotes.

Submission:

Labcorp Genetics (formerly Invitae), Labcorp
Classification: Uncertain significance for Immunodeficiency, common variable, 7. Last evaluated: 2022-06-27. Review status: criteria provided, single submitter. Criteria: Invitae Variant Classification Sherloc (09022015). Collection method: clinical testing. Allele origin: germline.
Comment: In summary, the available evidence is currently insufficient to determine the role of this variant in disease. Therefore, it has been classified as a Variant of Uncertain Significance. Algorithms developed to predict the effect of missense changes on protein structure and function are either unavailable or do not agree on the potential impact of this missense change (SIFT: "Tolerated"; PolyPhen-2: "Possibly Damaging"; Align-GVGD: "Class C0"). This variant has not been reported in the literature in individuals affected with CR2-related conditions. This variant is not present in population databases (gnomAD no frequency). This sequence change replaces arginine, which is basic and polar, with cysteine, which is neutral and slightly polar, at codon 736 of the CR2 protein (p.Arg736Cys).